The following is an entry in ClinVar:

ClinVar aggregate classification (germline): Uncertain significance. Review status: criteria provided, multiple submitters, no conflicts (2 of 4 stars). 2 submissions from 2 submitters: Uncertain significance (2). Last evaluated 2025-04-17.

Conditions:
Inborn genetic diseases. Identifiers: MedGen C0950123, MeSH D030342.
Aortic valve disease 2 (AOVD2). Identifiers: MedGen C3542024, MONDO:0013902, OMIM 614823.

gnomAD v4.1: 12 of 1,480,786 alleles (0.00081%); highest among the groups gnomAD compares: African/African-American, 0.0015%; no homozygotes.

Submissions (2):

Labcorp Genetics (formerly Invitae), Labcorp
Classification: Uncertain significance for Aortic valve disease 2. Last evaluated: 2025-04-17. Review status: criteria provided, single submitter. Criteria: Invitae Variant Classification Sherloc (09022015). Collection method: clinical testing. Allele origin: germline.
Comment: This sequence change replaces glycine, which is neutral and non-polar, with cysteine, which is neutral and slightly polar, at codon 33 of the SMAD6 protein (p.Gly33Cys). The frequency data for this variant in the population databases is considered unreliable, as metrics indicate poor data quality at this position in the gnomAD database. This variant has not been reported in the literature in individuals affected with SMAD6-related conditions. ClinVar contains an entry for this variant (Variation ID: 1389430). An algorithm developed to predict the effect of missense changes on protein structure and function (PolyPhen-2) suggests that this variant is likely to be disruptive. In summary, the available evidence is currently insufficient to determine the role of this variant in disease. Therefore, it has been classified as a Variant of Uncertain Significance.

Ambry Genetics
Classification: Uncertain significance for Inborn genetic diseases. Last evaluated: 2024-04-04. Review status: criteria provided, single submitter. Criteria: Ambry Variant Classification Scheme 2023. Collection method: clinical testing. Allele origin: germline.
Comment: The p.G33C variant (also known as c.97G>T), located in coding exon 1 of the SMAD6 gene, results from a G to T substitution at nucleotide position 97. The glycine at codon 33 is replaced by cysteine, an amino acid with highly dissimilar properties. This amino acid position is conserved. In addition, this alteration is predicted to be tolerated by in silico analysis. Based on the available evidence, the clinical significance of this variant remains unclear.

NM_005585.5(SMAD6):c.97G>T (p.Gly33Cys)

Gene: SMAD6 (SMAD family member 6; plus strand). Cytogenetic location: 15q22.31.
Variant type: single nucleotide variant.
Coding change: c.97G>T on transcript NM_005585.5 (MANE Select); coding-DNA position 97, G replaced by T.
Protein change: p.Gly33Cys; replaces glycine 33 with cysteine.
Molecular consequence: missense variant. On other transcripts: non-coding transcript variant (1).
Genome position (GRCh38, 1-based): chr15:66,703,355, G>T. VCF-style: chr15-66703355-G-T. GRCh37 (hg19) VCF-style: chr15-66995693-G-T.
Other names: c.97G>T (NM_005585.4); short protein forms G33C.
Identifiers: ClinVar variation 1389430 (VCV001389430.9), dbSNP rs769111756, ClinGen allele CA7626434.